The following is an entry in ClinVar:

NM_032578.4(MYPN):c.404C>G (p.Ala135Gly)

Gene: MYPN (myopalladin; plus strand). Cytogenetic location: 10q21.3.
Variant type: single nucleotide variant.
Coding change: c.404C>G on transcript NM_032578.4 (MANE Select); coding-DNA position 404, C replaced by G.
Protein change: p.Ala135Gly; replaces alanine 135 with glycine.
Molecular consequence: missense variant. On other transcripts: 5 prime UTR variant (1), non-coding transcript variant (1).
Genome position (GRCh38, 1-based): chr10:68,121,842, C>G. VCF-style: chr10-68121842-C-G. GRCh37 (hg19) VCF-style: chr10-69881599-C-G.
Other names: c.404C>G, p.Ala135Gly (NM_001256267.2); c.-719C>G (NM_001256268.2); short protein forms A135G.
Identifiers: ClinVar variation 1041935 (VCV001041935.14), dbSNP rs141983653, ClinGen allele CA5522272.

ClinVar aggregate classification (germline): Conflicting classifications of pathogenicity. Review status: criteria provided, conflicting classifications (1 of 4 stars). 4 submissions from 4 submitters: Uncertain significance (2); Likely benign (2). Last evaluated 2025-04-22.

Conditions:
Dilated cardiomyopathy 1KK (CMD1KK). Identifiers: Orphanet 154, Orphanet 75249, MedGen C3714995, MONDO:0014100, OMIM 615248.
Cardiovascular phenotype. Identifiers: MedGen CN230736.

Allele frequency attached by ClinVar (database versions not stated): TOPMed 0.00016; ExAC 0.00002; ESP Exome Variant Server 0.00008.
gnomAD v4.1: 86 of 1,613,930 alleles (0.0053%); highest among the groups gnomAD compares: Admixed American, 0.098%; no homozygotes.

Submissions (4):

GeneDx
Classification: Uncertain significance. Last evaluated: 2025-04-22. Review status: criteria provided, single submitter. Criteria: GeneDx Variant Classification Process June 2021. Collection method: clinical testing. Allele origin: germline. Affected: yes.
Comment: In silico analysis indicates that this missense variant does not alter protein structure/function; Has not been previously published as pathogenic or benign to our knowledge

Revvity Omics, Revvity
Classification: Likely benign. Last evaluated: 2025-03-16. Review status: criteria provided, single submitter. Criteria: ACMG Guidelines, 2015. Collection method: clinical testing. Allele origin: germline.

Ambry Genetics
Classification: Likely benign for Cardiovascular phenotype. Last evaluated: 2024-07-03. Review status: criteria provided, single submitter. Criteria: Ambry Variant Classification Scheme 2023. Collection method: clinical testing. Allele origin: germline.

Labcorp Genetics (formerly Invitae), Labcorp
Classification: Uncertain significance for Dilated cardiomyopathy 1KK. Last evaluated: 2022-07-22. Review status: criteria provided, single submitter. Criteria: Invitae Variant Classification Sherloc (09022015). Collection method: clinical testing. Allele origin: germline.
Comment: This sequence change replaces alanine, which is neutral and non-polar, with glycine, which is neutral and non-polar, at codon 135 of the MYPN protein (p.Ala135Gly). This variant is present in population databases (rs141983653, gnomAD 0.07%). This variant has not been reported in the literature in individuals affected with MYPN-related conditions. ClinVar contains an entry for this variant (Variation ID: 1041935). Algorithms developed to predict the effect of missense changes on protein structure and function (SIFT, PolyPhen-2, Align-GVGD) all suggest that this variant is likely to be tolerated. In summary, the available evidence is currently insufficient to determine the role of this variant in disease. Therefore, it has been classified as a Variant of Uncertain Significance.